The following is an entry in ClinVar:

ClinVar aggregate classification (germline): Likely pathogenic. Review status: criteria provided, multiple submitters, no conflicts (2 of 4 stars). 2 submissions from 2 submitters: Likely pathogenic (2). Last evaluated 2024-07-26.

Conditions:
Landau-Kleffner syndrome (FESD). Also called: APHASIA, ACQUIRED, WITH EPILEPSY; EPILEPSY, FOCAL, WITH SPEECH DISORDER AND WITH OR WITHOUT MENTAL RETARDATION. Identifiers: Orphanet 1945, Orphanet 725, Orphanet 98818, MedGen C0282512, MONDO:0009509, OMIM 245570.

Submissions (2):

Labcorp Genetics (formerly Invitae), Labcorp
Classification: Likely pathogenic for Landau-Kleffner syndrome. Last evaluated: 2024-07-26. Review status: criteria provided, single submitter. Criteria: Invitae Variant Classification Sherloc (09022015). Collection method: clinical testing. Allele origin: germline.
Comment: This sequence change affects a donor splice site in intron 10 of the GRIN2A gene. It is expected to disrupt RNA splicing. Variants that disrupt the donor or acceptor splice site typically lead to a loss of protein function (PMID: 16199547), and loss-of-function variants in GRIN2A are known to be pathogenic (PMID: 23933819, 23933820). This variant is not present in population databases (gnomAD no frequency). Disruption of this splice site has been observed in individual(s) with GRIN2A-related conditions (PMID: 23933819). ClinVar contains an entry for this variant (Variation ID: 813774). Algorithms developed to predict the effect of sequence changes on RNA splicing suggest that this variant may disrupt the consensus splice site. In summary, the currently available evidence indicates that the variant is pathogenic, but additional data are needed to prove that conclusively. Therefore, this variant has been classified as Likely Pathogenic.

Cytogénomique, Hospices Civils de Lyon
Classification: Likely pathogenic for Landau-Kleffner syndrome. Last evaluated: 2018-08-23. Review status: criteria provided, single submitter. Criteria: ACMG Guidelines, 2015. Collection method: clinical testing. Allele origin: unknown. Inheritance: Autosomal dominant inheritance. Affected: yes.

Literature cited by the submitters: PubMed 16199547 (cited by Labcorp Genetics (formerly Invitae), Labcorp); PubMed 23933819 (cited by Labcorp Genetics (formerly Invitae), Labcorp); PubMed 23933820 (cited by Labcorp Genetics (formerly Invitae), Labcorp).

NM_001134407.3(GRIN2A):c.2007+1G>T

Gene: GRIN2A (glutamate ionotropic receptor NMDA type subunit 2A; minus strand). Cytogenetic location: 16p13.2.
Variant type: single nucleotide variant.
Coding change: c.2007+1G>T on transcript NM_001134407.3 (MANE Select); the canonical splice donor site of the intron after coding-DNA position 2007, G replaced by T.
Molecular consequence: splice donor variant.
Genome position (GRCh38, 1-based): chr16:9,829,422, C>A on the plus strand (G>T on the coding strand, the complement: GRIN2A is on the minus strand). VCF-style: chr16-9829422-C-A. GRCh37 (hg19) VCF-style: chr16-9923279-C-A.
Other names: c.2007+1G>T (NM_001134408.2, NM_000833.5).
Identifiers: ClinVar variation 813774 (VCV000813774.9), dbSNP rs2141312109, ClinGen allele CA394799014.